The following is an entry in ClinVar:

NM_020949.3(SLC7A14):c.1409G>A (p.Gly470Glu)

Genes: SLC7A14 (solute carrier family 7 member 14; minus strand), SLC7A14-AS1 (SLC7A14 antisense RNA 1; plus strand). Cytogenetic location: 3q26.2.
Variant type: single nucleotide variant.
Coding change: c.1409G>A on transcript NM_020949.3 (MANE Select); coding-DNA position 1409, G replaced by A.
Protein change: p.Gly470Glu; replaces glycine 470 with glutamic acid.
Molecular consequence: missense variant.
Genome position (GRCh38, 1-based): chr3:170,480,873, C>T on the plus strand (G>A on the coding strand, the complement: SLC7A14 is on the minus strand). VCF-style: chr3-170480873-C-T. GRCh37 (hg19) VCF-style: chr3-170198662-C-T.
Other names: short protein forms G470E.
Identifiers: ClinVar variation 2811279 (VCV002811279.3), dbSNP rs2473367867, ClinGen allele CA355490359.

ClinVar aggregate classification (germline): Uncertain significance (1 of 4 stars; one submission).

Allele frequency attached by ClinVar (database versions not stated): gnomAD exomes below 0.00001.
gnomAD v4.1: 2 of 1,614,048 alleles (0.00012%); highest among the groups gnomAD compares: Non-Finnish European, 0.00017%; no homozygotes.

Submission:

Labcorp Genetics (formerly Invitae), Labcorp
Classification: Uncertain significance. Last evaluated: 2022-11-01. Review status: criteria provided, single submitter. Criteria: Invitae Variant Classification Sherloc (09022015). Collection method: clinical testing. Allele origin: germline.
Comment: In summary, the available evidence is currently insufficient to determine the role of this variant in disease. Therefore, it has been classified as a Variant of Uncertain Significance. Algorithms developed to predict the effect of missense changes on protein structure and function (SIFT, PolyPhen-2, Align-GVGD) all suggest that this variant is likely to be tolerated. This variant has not been reported in the literature in individuals affected with SLC7A14-related conditions. This variant is not present in population databases (gnomAD no frequency). This sequence change replaces glycine, which is neutral and non-polar, with glutamic acid, which is acidic and polar, at codon 470 of the SLC7A14 protein (p.Gly470Glu).